The following is an entry in ClinVar:

NM_022124.6(CDH23):c.9170G>T (p.Arg3057Leu)

Gene: CDH23 (cadherin related 23; plus strand). Cytogenetic location: 10q22.1.
Variant type: single nucleotide variant.
Coding change: c.9170G>T on transcript NM_022124.6 (MANE Select); coding-DNA position 9170, G replaced by T.
Protein change: p.Arg3057Leu; replaces arginine 3057 with leucine.
Molecular consequence: missense variant.
Genome position (GRCh38, 1-based): chr10:71,811,407, G>T. VCF-style: chr10-71811407-G-T. GRCh37 (hg19) VCF-style: chr10-73571164-G-T.
Other names: c.2450G>T, p.Arg817Leu (NM_001171933.1, NM_001171934.1); short protein forms R817L, R3057L.
Identifiers: ClinVar variation 2015799 (VCV002015799.4), dbSNP rs372141384, ClinGen allele CA377134865.

ClinVar aggregate classification (germline): Uncertain significance (1 of 4 stars; one submission).

gnomAD v4.1: 1 of 1,613,932 alleles (0.000062%); highest among the groups gnomAD compares: Non-Finnish European, 0.000085%; no homozygotes.

Submission:

Labcorp Genetics (formerly Invitae), Labcorp
Classification: Uncertain significance. Last evaluated: 2022-10-24. Review status: criteria provided, single submitter. Criteria: Invitae Variant Classification Sherloc (09022015). Collection method: clinical testing. Allele origin: germline.
Comment: This sequence change replaces arginine, which is basic and polar, with leucine, which is neutral and non-polar, at codon 3057 of the CDH23 protein (p.Arg3057Leu). This variant is not present in population databases (gnomAD no frequency). This variant has not been reported in the literature in individuals affected with CDH23-related conditions. Advanced modeling of protein sequence and biophysical properties (such as structural, functional, and spatial information, amino acid conservation, physicochemical variation, residue mobility, and thermodynamic stability) performed at Invitae indicates that this missense variant is not expected to disrupt CDH23 protein function. In summary, the available evidence is currently insufficient to determine the role of this variant in disease. Therefore, it has been classified as a Variant of Uncertain Significance.